The following is an entry in ClinVar:

NM_000297.4(PKD2):c.697G>A (p.Val233Ile)

Gene: PKD2 (polycystin 2, transient receptor potential cation channel; plus strand). Cytogenetic location: 4q22.1.
Variant type: single nucleotide variant.
Coding change: c.697G>A on transcript NM_000297.4 (MANE Select); coding-DNA position 697, G replaced by A.
Protein change: p.Val233Ile; replaces valine 233 with isoleucine.
Molecular consequence: missense variant. On other transcripts: non-coding transcript variant (1).
Genome position (GRCh38, 1-based): chr4:88,019,559, G>A. VCF-style: chr4-88019559-G-A. GRCh37 (hg19) VCF-style: chr4-88940711-G-A.
Other names: short protein forms V233I.
Identifiers: ClinVar variation 1029780 (VCV001029780.4), dbSNP rs1726679079, ClinGen allele CA357628564.

ClinVar aggregate classification (germline): Uncertain significance. Review status: criteria provided, multiple submitters, no conflicts (2 of 4 stars). 2 submissions from 2 submitters: Uncertain significance (2). Last evaluated 2021-01-04.

Conditions:
Polycystic kidney disease 2 (PKD2). Also called: POLYCYSTIC KIDNEY DISEASE 2 WITH OR WITHOUT POLYCYSTIC LIVER DISEASE; Polycystic Kidney Disease 2, Autosomal Dominant; POLYCYSTIC KIDNEY DISEASE, ADULT, TYPE II. Identifiers: MedGen C2751306, MONDO:0013131, OMIM 613095.

Submissions (2):

Genomic Medicine Center of Excellence, King Faisal Specialist Hospital and Research Centre
Classification: Uncertain significance for Polycystic kidney disease 2. Last evaluated: 2021-01-04. Review status: criteria provided, single submitter. Criteria: ACMG Guidelines, 2015. Collection method: clinical testing. Allele origin: germline. Affected: yes.

Baylor Genetics
Classification: Uncertain significance for Polycystic kidney disease 2. Last evaluated: 2020-06-10. Review status: criteria provided, single submitter. Criteria: ACMG Guidelines, 2015. Collection method: clinical testing. Allele origin: unknown. Affected: yes.
Comment: This variant was determined to be of uncertain significance according to ACMG Guidelines, 2015 [PMID:25741868].